The following is an entry in ClinVar:

ClinVar aggregate classification (germline): Benign/Likely benign. Review status: criteria provided, multiple submitters, no conflicts (2 of 4 stars). 10 submissions from 10 submitters: Benign (5); Likely benign (4). 1 of the submissions does not count toward it. Last evaluated 2026-07-14.

Conditions:
SMARCA4-related disorder. Also called: SMARCA4-related condition.
Hereditary cancer-predisposing syndrome. Also called: Hereditary Cancer Syndrome; Tumor predisposition; Hereditary neoplastic syndrome; Neoplastic Syndromes, Hereditary. Identifiers: Orphanet 140162, MedGen C0027672, MeSH D009386, MONDO:0015356.
Intellectual disability, autosomal dominant 16 (CSS4). Also called: COFFIN-SIRIS SYNDROME 4. Identifiers: Orphanet 1465, MedGen C3553249, MONDO:0013821, OMIM 614609.
Rhabdoid tumor predisposition syndrome 2 (RTPS2). Identifiers: Orphanet 231108, Orphanet 69077, MedGen C2750074, MONDO:0013224, OMIM 613325.

Allele frequency attached by ClinVar (database versions not stated): gnomAD exomes 0.00010 and 0.00007; 1000 Genomes Project 30x 0.00094; ExAC 0.00013; gnomAD 0.00045 and 0.00047; TOPMed 0.00055; ESP Exome Variant Server 0.00085; 1000 Genomes Project 0.00080.
gnomAD v4.1: 180 of 1,613,450 alleles (0.011%); highest among the groups gnomAD compares: African/African-American, 0.14%; no homozygotes.

Submissions (10):

Myriad Genetics, Inc.
Classification: Benign for Rhabdoid tumor predisposition syndrome 2. Last evaluated: 2026-07-14. Review status: criteria provided, single submitter. Criteria: Myriad Autosomal Dominant, Autosomal Recessive and X-Linked Classification Criteria (2023). Collection method: clinical testing. Allele origin: unknown.
Comment: This variant is considered benign. This variant is a silent/synonymous amino acid change and it is not expected to impact splicing.

Labcorp Genetics (formerly Invitae), Labcorp
Classification: Benign for Rhabdoid tumor predisposition syndrome 2. Last evaluated: 2026-02-02. Review status: criteria provided, single submitter. Criteria: Invitae Variant Classification Sherloc (09022015). Collection method: clinical testing. Allele origin: germline.

CeGaT Center for Human Genetics Tuebingen
Classification: Likely benign. Last evaluated: 2024-08-01. Review status: criteria provided, single submitter. Criteria: CeGaT Center For Human Genetics Tuebingen Variant Classification Criteria Version 2. Collection method: clinical testing. Allele origin: germline. Affected: yes. Observed: 1 variant allele.
Comment: SMARCA4: BP4, BP7, BS1

Blueprint Genetics
Classification: Likely benign. Last evaluated: 2024-05-09. Review status: criteria provided, single submitter. Criteria: ACMG Guidelines, 2015. Collection method: clinical testing. Allele origin: germline.

Quest Diagnostics Nichols Institute San Juan Capistrano
Classification: Benign. Last evaluated: 2023-05-02. Review status: criteria provided, single submitter. Criteria: Quest Diagnostics criteria. Collection method: clinical testing. Allele origin: unknown.

Genome-Nilou Lab
Classification: Benign for Intellectual disability, autosomal dominant 16. Last evaluated: 2021-07-15. Review status: criteria provided, single submitter. Criteria: ACMG Guidelines, 2015. Collection method: clinical testing. Allele origin: germline. Affected: no.

Sema4
Classification: Benign for Hereditary cancer-predisposing syndrome. Last evaluated: 2020-10-06. Review status: criteria provided, single submitter. Criteria: Sema4 Curation Guidelines. Collection method: curation. Allele origin: germline.

GeneDx
Classification: Likely benign. Last evaluated: 2019-09-25. Review status: criteria provided, single submitter. Criteria: GeneDx Variant Classification Process June 2021. Collection method: clinical testing. Allele origin: germline. Affected: yes.
Comment: See Variant Classification Assertion Criteria.

Ambry Genetics
Classification: Likely benign for Hereditary cancer-predisposing syndrome. Last evaluated: 2015-06-29. Review status: criteria provided, single submitter. Criteria: Ambry Variant Classification Scheme 2023. Collection method: clinical testing. Allele origin: germline.

PreventionGenetics, part of Exact Sciences
Classification: Likely benign for SMARCA4-related condition. Last evaluated: 2019-09-10. Review status: no assertion criteria provided. Collection method: clinical testing. Allele origin: germline. Not counted in ClinVar's aggregate classification.
Comment: This variant is classified as likely benign based on ACMG/AMP sequence variant interpretation guidelines (Richards et al. 2015 PMID: 25741868, with internal and published modifications).

NM_003072.5(SMARCA4):c.2817C>T (p.Phe939=)

Gene: SMARCA4 (SWI/SNF related BAF chromatin remodeling complex subunit ATPase 4; plus strand). Cytogenetic location: 19p13.2.
Variant type: single nucleotide variant.
Coding change: c.2817C>T on transcript NM_003072.5 (MANE Select); coding-DNA position 2817, C replaced by T.
Protein change: p.Phe939=; no amino-acid change (phenylalanine 939 retained).
Molecular consequence: synonymous variant. On other transcripts: non-coding transcript variant (1).
Genome position (GRCh38, 1-based): chr19:11,021,925, C>T. VCF-style: chr19-11021925-C-T. GRCh37 (hg19) VCF-style: chr19-11132601-C-T.
Other names: c.2817C>T, p.Phe939= (NM_001128844.3, NM_001128845.2, NM_001128846.2 and 5 more transcripts).
Identifiers: ClinVar variation 238416 (VCV000238416.38), dbSNP rs147791182, ClinGen allele CA9204228.